The following is an entry in ClinVar:

ClinVar aggregate classification (germline): Pathogenic (1 of 4 stars; one submission).

Allele frequency attached by ClinVar (database versions not stated): ExAC 0.00002; TOPMed 0.00002; gnomAD 0.00003 and 0.00004; gnomAD exomes 0.00003.

Submission:

Labcorp Genetics (formerly Invitae), Labcorp
Classification: Pathogenic. Last evaluated: 2025-06-04. Review status: criteria provided, single submitter. Criteria: Invitae Variant Classification Sherloc (09022015). Collection method: clinical testing. Allele origin: germline.
Comment: This sequence change creates a premature translational stop signal (p.Arg247*) in the OSGEP gene. It is expected to result in an absent or disrupted protein product. Loss-of-function variants in OSGEP are known to be pathogenic (PMID: 28805828, 34666032). This variant is present in population databases (rs551255070, gnomAD 0.01%). This variant has not been reported in the literature in individuals affected with OSGEP-related conditions. ClinVar contains an entry for this variant (Variation ID: 1483962). Algorithms developed to predict the effect of sequence changes on RNA splicing suggest that this variant may disrupt the consensus splice site. For these reasons, this variant has been classified as Pathogenic.

Literature cited by the submitters: PubMed 28805828; PubMed 34666032.

NM_017807.4(OSGEP):c.739C>T (p.Arg247Ter)

Gene: OSGEP (O-sialoglycoprotein endopeptidase; minus strand). Cytogenetic location: 14q11.2.
Variant type: single nucleotide variant.
Coding change: c.739C>T on transcript NM_017807.4 (MANE Select); coding-DNA position 739, C replaced by T.
Protein change: p.Arg247Ter; replaces arginine 247 with a stop codon.
Molecular consequence: nonsense.
Genome position (GRCh38, 1-based): chr14:20,447,958, G>A on the plus strand (C>T on the coding strand, the complement: OSGEP is on the minus strand). VCF-style: chr14-20447958-G-A. GRCh37 (hg19) VCF-style: chr14-20916117-G-A.
Other names: short protein forms R247*.
Identifiers: ClinVar variation 1483962 (VCV001483962.6), dbSNP rs551255070, ClinGen allele CA7081108.